The following is an entry in ClinVar:

ClinVar aggregate classification (germline): Uncertain significance (1 of 4 stars; one submission).

Submission:

Labcorp Genetics (formerly Invitae), Labcorp
Classification: Uncertain significance. Last evaluated: 2020-07-30. Review status: criteria provided, single submitter. Criteria: Invitae Variant Classification Sherloc (09022015). Collection method: clinical testing. Allele origin: germline.
Comment: This variant results in a copy number gain of the genomic region encompassing the full coding sequence of the ZNF408 gene. The boundaries of this event are unknown as they extend beyond the assayed region for this gene and therefore may encompass additional genes. As the precise location of this event is unknown, it may be in tandem or it may be located elsewhere in the genome. This variant has not been reported in the literature in individuals with ZNF408-related conditions. In summary, the available evidence is currently insufficient to determine the role of this variant in disease. Therefore, it has been classified as a Variant of Uncertain Significance.

NC_000011.9:g.(?_46569796)_(46742390_?)dup

Genes: ZNF408 (zinc finger protein 408; plus strand), AMBRA1 (autophagy and beclin 1 regulator 1; minus strand), ARHGAP1 (Rho GTPase activating protein 1; minus strand), ATG13 (autophagy related 13; plus strand), F2 (coagulation factor II, thrombin; plus strand) and 1 more. Cytogenetic location: 11p11.2.
Variant type: Duplication.
Identifiers: ClinVar variation 1042681 (VCV001042681.1).